The following is an entry in ClinVar:

ClinVar aggregate classification (germline): Uncertain significance (1 of 4 stars; one submission).

Conditions:
Immunodeficiency 35 (IMD35). Also called: Susceptibility to infection due to TYK2 deficiency; TYK2 DEFICIENCY; HIES WITH ATYPICAL MYCOBACTERIOSIS, AUTOSOMAL RECESSIVE; HYPER-IgE SYNDROME WITH ATYPICAL MYCOBACTERIOSIS, AUTOSOMAL RECESSIVE. Identifiers: Orphanet 331226, MedGen C1969086, MONDO:0012682, OMIM 611521.

Allele frequency attached by ClinVar (database versions not stated): TOPMed 0.00006; 1000 Genomes Project 0.00020; 1000 Genomes Project 30x 0.00078.
gnomAD v4.1: 141 of 1,610,708 alleles (0.0088%); highest among the groups gnomAD compares: African/African-American, 0.019%; no homozygotes.

Submission:

Labcorp Genetics (formerly Invitae), Labcorp
Classification: Uncertain significance for Immunodeficiency 35. Last evaluated: 2022-04-20. Review status: criteria provided, single submitter. Criteria: Invitae Variant Classification Sherloc (09022015). Collection method: clinical testing. Allele origin: germline.
Comment: This sequence change replaces arginine, which is basic and polar, with histidine, which is basic and polar, at codon 4 of the TYK2 protein (p.Arg4His). This variant is present in population databases (rs12720343, gnomAD 0.01%). This variant has not been reported in the literature in individuals affected with TYK2-related conditions. ClinVar contains an entry for this variant (Variation ID: 957984). Algorithms developed to predict the effect of missense changes on protein structure and function are either unavailable or do not agree on the potential impact of this missense change (SIFT: "Not Available"; PolyPhen-2: "Benign"; Align-GVGD: "Not Available"). In summary, the available evidence is currently insufficient to determine the role of this variant in disease. Therefore, it has been classified as a Variant of Uncertain Significance.

NM_003331.5(TYK2):c.11G>A (p.Arg4His)

Gene: TYK2 (tyrosine kinase 2; minus strand). Cytogenetic location: 19p13.2.
Variant type: single nucleotide variant.
Coding change: c.11G>A on transcript NM_003331.5 (MANE Select); coding-DNA position 11, G replaced by A.
Protein change: p.Arg4His; replaces arginine 4 with histidine.
Molecular consequence: missense variant.
Genome position (GRCh38, 1-based): chr19:10,378,396, C>T on the plus strand (G>A on the coding strand, the complement: TYK2 is on the minus strand). VCF-style: chr19-10378396-C-T. GRCh37 (hg19) VCF-style: chr19-10489072-C-T.
Other names: short protein forms R4H.
Identifiers: ClinVar variation 957984 (VCV000957984.4), dbSNP rs12720343, ClinGen allele CA9193906.